The following is an entry in ClinVar:

NM_006031.6(PCNT):c.7857G>A (p.Lys2619=)

Gene: PCNT (pericentrin; plus strand). Cytogenetic location: 21q22.3.
Variant type: single nucleotide variant.
Coding change: c.7857G>A on transcript NM_006031.6 (MANE Select); coding-DNA position 7857, G replaced by A.
Protein change: p.Lys2619=; no amino-acid change (lysine 2619 retained).
Molecular consequence: synonymous variant.
Genome position (GRCh38, 1-based): chr21:46,430,176, G>A. VCF-style: chr21-46430176-G-A. GRCh37 (hg19) VCF-style: chr21-47850090-G-A.
Other names: c.7503G>A, p.Lys2501= (NM_001315529.2).
Identifiers: ClinVar variation 3354313 (VCV003354313.1).

ClinVar aggregate classification (germline): Likely benign (0 of 4 stars; one submission).

Conditions:
PCNT-related disorder. Also called: PCNT-related condition.

gnomAD v4.1: 1 of 1,614,120 alleles (0.000062%); highest among the groups gnomAD compares: Admixed American, 0.0017%; no homozygotes.

Submission:

PreventionGenetics, part of Exact Sciences
Classification: Likely benign for PCNT-related condition. Last evaluated: 2022-08-24. Review status: no assertion criteria provided. Collection method: clinical testing. Allele origin: germline.
Comment: This variant is classified as likely benign based on ACMG/AMP sequence variant interpretation guidelines (Richards et al. 2015 PMID: 25741868, with internal and published modifications).